The following is an entry in ClinVar:

NM_000312.4(PROC):c.970G>A (p.Gly324Ser)

Gene: PROC (protein C, inactivator of coagulation factors Va and VIIIa; plus strand). Cytogenetic location: 2q14.3.
Variant type: single nucleotide variant.
Coding change: c.970G>A on transcript NM_000312.4 (MANE Select); coding-DNA position 970, G replaced by A.
Protein change: p.Gly324Ser; replaces glycine 324 with serine.
Molecular consequence: missense variant.
Genome position (GRCh38, 1-based): chr2:127,428,530, G>A. VCF-style: chr2-127428530-G-A. GRCh37 (hg19) VCF-style: chr2-128186106-G-A.
Other names: c.1153G>A, p.Gly385Ser (NM_001375602.1); c.1135G>A, p.Gly379Ser (NM_001375603.1); c.1033G>A, p.Gly345Ser (NM_001375604.1); c.1072G>A, p.Gly358Ser (NM_001375605.1); c.1138G>A, p.Gly380Ser (NM_001375606.1); c.1156G>A, p.Gly386Ser (NM_001375607.1); c.913G>A, p.Gly305Ser (NM_001375608.1); c.946G>A, p.Gly316Ser (NM_001375609.1); and 2 more; short protein forms G324S, G305S, G316S, G322S, G345S, G358S, G379S, G380S.
Identifiers: ClinVar variation 568761 (VCV000568761.8), dbSNP rs571278160, ClinGen allele CA1859497.

ClinVar aggregate classification (germline): Conflicting classifications of pathogenicity. Review status: criteria provided, conflicting classifications (1 of 4 stars). 2 submissions from 2 submitters: Likely pathogenic (1); Uncertain significance (1). Last evaluated 2025-08-12.

Conditions:
Thrombophilia due to protein C deficiency, autosomal dominant. Also called: PROC DEFICIENCY, AUTOSOMAL DOMINANT; PROTEIN C DEFICIENCY, AUTOSOMAL DOMINANT. Identifiers: Orphanet 745, MedGen C2674321, MONDO:0008316, OMIM 176860. Disease mechanism: loss of function.

Allele frequency attached by ClinVar (database versions not stated): gnomAD 0.00004 and 0.00005; gnomAD exomes 0.00005 and 0.00006; ExAC 0.00006; TOPMed 0.00006.

Submissions (2):

Victorian Clinical Genetics Services, Murdoch Childrens Research Institute
Classification: Uncertain significance for Thrombophilia due to protein C deficiency, autosomal dominant. Last evaluated: 2025-08-12. Review status: criteria provided, single submitter. Criteria: ACMG Guidelines, 2015. Collection method: clinical testing. Allele origin: germline. Affected: no.
Comment: This variant is classified as VUS-3B. Evidence in support of pathogenic classification: Variant is present in gnomAD <0.01 (v4: 77 heterozygote(s), 0 homozygote(s)); This variant has limited previous evidence of pathogenicity in unrelated individuals. It has been reported as heterozygous in an individual with venous thromboembolism (PMID: 37647632), and as likely pathogenic by a clinical laboratory in an individual with clinical features of protein C deficiency (ClinVar). It has also been reported as compound heterozygous in an adult with protein C deficiency and heterozygous in unaffected family member(s) (PMID: 27517348). In addition, the variant has been reported in an adult with protein C deficiency who also had another variant in this gene; however, it is unclear whether the variants were compound heterozygous (PMID: 30669159). Evidence in support of benign classification: This variant has moderate functional evidence supporting normal protein function. Cell transfection study showed HEK cells with this variant had normal antigen level, protein C activity and subcellular localisation (PMID: 27517348). Additional information: Variant is predicted to result in a missense amino acid change from Gly to Ser; This variant is heterozygous; This gene is associated with both recessive and dominant disease (OMIM); Alternative amino acid change(s) at the same position are present in gnomAD (Highest allele count: v4: 1 heterozygote(s), 0 homozygote(s)); No published evidence of segregation with disease has been identified for this variant; No comparable missense variants have previous evidence for pathogenicity; Variant is located in the annotated peptidase domain of the heavy chain (PMID: 27517348); Missense variant with inconclusive in silico prediction and uninformative conservation; Loss of function is a known mechanism of disease in this gene and is associated with thrombophilia 3 due to protein C deficiency, autosomal dominant (MIM#176860) and thrombophilia 3 due to protein C deficiency, autosomal recessive (MIM#612304); Parental origin of the variant is unresolved.

Labcorp Genetics (formerly Invitae), Labcorp
Classification: Likely pathogenic for Thrombophilia due to protein C deficiency, autosomal dominant. Last evaluated: 2025-04-17. Review status: criteria provided, single submitter. Criteria: Invitae Variant Classification Sherloc (09022015). Collection method: clinical testing. Allele origin: germline.
Comment: This sequence change replaces glycine, which is neutral and non-polar, with serine, which is neutral and polar, at codon 324 of the PROC protein (p.Gly324Ser). This variant is present in population databases (rs571278160, gnomAD 0.06%). This missense change has been observed in individual(s) with clinical features of protein C deficiency (PMID: 7831652, 27517348, 37950050; internal data). In at least one individual the data is consistent with being in trans (on the opposite chromosome) from a pathogenic variant. This variant is also known as G282S. ClinVar contains an entry for this variant (Variation ID: 568761). Invitae Evidence Modeling of protein sequence and biophysical properties (such as structural, functional, and spatial information, amino acid conservation, physicochemical variation, residue mobility, and thermodynamic stability) indicates that this missense variant is not expected to disrupt PROC protein function with a negative predictive value of 80%. This variant disrupts the p.Gly324 amino acid residue in PROC. Other variant(s) that disrupt this residue have been observed in individuals with PROC-related conditions (PMID: 7792728), which suggests that this may be a clinically significant amino acid residue. In summary, the currently available evidence indicates that the variant is pathogenic, but additional data are needed to prove that conclusively. Therefore, this variant has been classified as Likely Pathogenic.

Literature cited by the submitters: PubMed 30669159 (cited by Victorian Clinical Genetics Services, Murdoch Childrens Research Institute); PubMed 37647632 (cited by Victorian Clinical Genetics Services, Murdoch Childrens Research Institute); PubMed 27517348 (cited by Victorian Clinical Genetics Services, Murdoch Childrens Research Institute and Labcorp Genetics (formerly Invitae), Labcorp); PubMed 7831652 (cited by Labcorp Genetics (formerly Invitae), Labcorp); PubMed 37950050 (cited by Labcorp Genetics (formerly Invitae), Labcorp); PubMed 7792728 (cited by Labcorp Genetics (formerly Invitae), Labcorp).